The following is an entry in ClinVar:

ClinVar aggregate classification (germline): Benign. Review status: criteria provided, multiple submitters, no conflicts (2 of 4 stars). 3 submissions from 3 submitters: Benign (3). Last evaluated 2024-07-15.

Conditions:
Coenzyme Q10 deficiency, primary, 3 (COQ10D3). Identifiers: Orphanet 255249, MedGen C3553358, MONDO:0013838, OMIM 614652.

Allele frequency attached by ClinVar (database versions not stated): gnomAD exomes 0.11955 and 0.14296; ExAC 0.14035; ESP Exome Variant Server 0.15001; gnomAD 0.16016 and 0.16221; TOPMed 0.17082; 1000 Genomes Project 30x 0.18176; 1000 Genomes Project 0.18590.
gnomAD v4.1: 185,610 of 1,497,756 alleles (12%); highest among the groups gnomAD compares: East Asian, 29%; 13,580 homozygotes.

Submissions (3):

Unidad de Genómica Garrahan, Hospital de Pediatría Garrahan
Classification: Benign. Last evaluated: 2024-07-15. Review status: criteria provided, single submitter. Criteria: ACMG Guidelines, 2015. Collection method: clinical testing. Allele origin: germline. Affected: no. Observed: 33 variant alleles.
Comment: This variant is classified as Benign based on local population frequency. This variant was detected in 35% of patients studied in a panel designed for Epileptic and Developmental Encephalopathy and Progressive Myoclonus Epilepsy. Number of patients: 33. Only high quality variants are reported.

Genome-Nilou Lab
Classification: Benign for Coenzyme Q10 deficiency, primary, 3. Last evaluated: 2021-09-05. Review status: criteria provided, single submitter. Criteria: ACMG Guidelines, 2015. Collection method: clinical testing. Allele origin: germline. Affected: no.

GeneDx
Classification: Benign. Last evaluated: 2018-06-16. Review status: criteria provided, single submitter. Criteria: GeneDx Variant Classification (06012015). Collection method: clinical testing. Allele origin: germline. Affected: yes.
Comment: This variant is considered likely benign or benign based on one or more of the following criteria: it is a conservative change, it occurs at a poorly conserved position in the protein, it is predicted to be benign by multiple in silico algorithms, and/or has population frequency not consistent with disease.

NM_020381.4(PDSS2):c.876+48C>T

Gene: PDSS2 (decaprenyl diphosphate synthase subunit 2; minus strand). Cytogenetic location: 6q21.
Variant type: single nucleotide variant.
Coding change: c.876+48C>T on transcript NM_020381.4 (MANE Select); 48 bases into the intron after coding-DNA position 876, C replaced by T.
Molecular consequence: intron variant.
Genome position (GRCh38, 1-based): chr6:107,212,061, G>A on the plus strand (C>T on the coding strand, the complement: PDSS2 is on the minus strand). VCF-style: chr6-107212061-G-A. GRCh37 (hg19) VCF-style: chr6-107533265-G-A.
Identifiers: ClinVar variation 671641 (VCV000671641.5), dbSNP rs3734677, ClinGen allele CA3945993.
Genomic context (GRCh38, chr6:107,212,061, plus strand): 5'-AATAAGCATTTTTGAAATATAAAAGAAGCTTATTAAATGGCAAAAGGTTTCTTGTGTGTC[G>A]TTTTAGCTATTTAAGTACTGAAAAAAGATAAAGGGTGTGCAAAGTACCTTATGACTCATG-3'